The following is an entry in ClinVar:

ClinVar aggregate classification (germline): Likely benign. Review status: criteria provided, multiple submitters, no conflicts (2 of 4 stars). 4 submissions from 4 submitters: Likely benign (4). Last evaluated 2026-01-25.

Conditions:
Chédiak-Higashi syndrome (CHS). Also called: Chediak-Higashi Syndrome. Identifiers: Orphanet 167, MedGen C0007965, MONDO:0008963, OMIM 214500.

Allele frequency attached by ClinVar (database versions not stated): gnomAD exomes 0.00008 and 0.00016; 1000 Genomes Project 30x 0.00016; gnomAD 0.00018 and 0.00029; 1000 Genomes Project 0.00020; TOPMed 0.00020 and 0.00024; ExAC 0.00021; ESP Exome Variant Server 0.00054.
gnomAD v4.1: 147 of 1,613,990 alleles (0.0091%); highest among the groups gnomAD compares: South Asian, 0.07%; no homozygotes.

Submissions (4):

Labcorp Genetics (formerly Invitae), Labcorp
Classification: Likely benign for Chédiak-Higashi syndrome. Last evaluated: 2026-01-25. Review status: criteria provided, single submitter. Criteria: Invitae Variant Classification Sherloc (09022015). Collection method: clinical testing. Allele origin: germline.

Blueprint Genetics
Classification: Likely benign. Last evaluated: 2024-10-10. Review status: criteria provided, single submitter. Criteria: ACMG Guidelines, 2015. Collection method: clinical testing. Allele origin: germline.

CeGaT Center for Human Genetics Tuebingen
Classification: Likely benign. Last evaluated: 2022-12-01. Review status: criteria provided, single submitter. Criteria: CeGaT Center For Human Genetics Tuebingen Variant Classification Criteria Version 2. Collection method: clinical testing. Allele origin: germline. Affected: yes. Observed: 1 variant allele.
Comment: LYST: BP4, BP7

Breakthrough Genomics
Classification: Likely benign. Review status: criteria provided, single submitter. Criteria: ACMG Guidelines, 2015. Collection method: not provided. Allele origin: germline. Inheritance: Autosomal recessive inheritance. Affected: yes.

NM_000081.4(LYST):c.8268C>T (p.His2756=)

Gene: LYST (lysosomal trafficking regulator; minus strand). Cytogenetic location: 1q42.3.
Variant type: single nucleotide variant.
Coding change: c.8268C>T on transcript NM_000081.4 (MANE Select); coding-DNA position 8268, C replaced by T.
Protein change: p.His2756=; no amino-acid change (histidine 2756 retained).
Molecular consequence: synonymous variant.
Genome position (GRCh38, 1-based): chr1:235,741,512, G>A on the plus strand (C>T on the coding strand, the complement: LYST is on the minus strand). VCF-style: chr1-235741512-G-A. GRCh37 (hg19) VCF-style: chr1-235904812-G-A.
Other names: c.8268C>T, p.His2756= (NM_001301365.1).
Identifiers: ClinVar variation 705596 (VCV000705596.35), dbSNP rs141534829, ClinGen allele CA1465916.